The following is an entry in ClinVar:

ClinVar aggregate classification (germline): Uncertain significance (1 of 4 stars; one submission).

Allele frequency attached by ClinVar (database versions not stated): gnomAD exomes 0.00001.

Submission:

Labcorp Genetics (formerly Invitae), Labcorp
Classification: Uncertain significance. Last evaluated: 2025-09-02. Review status: criteria provided, single submitter. Criteria: Invitae Variant Classification Sherloc (09022015). Collection method: clinical testing. Allele origin: germline.
Comment: This sequence change replaces methionine, which is neutral and non-polar, with valine, which is neutral and non-polar, at codon 1147 of the NUP205 protein (p.Met1147Val). This variant is present in population databases (no rsID available, gnomAD 0.003%). This variant has not been reported in the literature in individuals affected with NUP205-related conditions. ClinVar contains an entry for this variant (Variation ID: 2110172). Invitae Evidence Modeling of protein sequence and biophysical properties (such as structural, functional, and spatial information, amino acid conservation, physicochemical variation, residue mobility, and thermodynamic stability) indicates that this missense variant is not expected to disrupt NUP205 protein function with a negative predictive value of 80%. In summary, the available evidence is currently insufficient to determine the role of this variant in disease. Therefore, it has been classified as a Variant of Uncertain Significance.

NM_015135.3(NUP205):c.3439A>G (p.Met1147Val)

Gene: NUP205 (nucleoporin 205; plus strand). Cytogenetic location: 7q33.
Variant type: single nucleotide variant.
Coding change: c.3439A>G on transcript NM_015135.3 (MANE Select); coding-DNA position 3439, A replaced by G.
Protein change: p.Met1147Val; replaces methionine 1147 with valine.
Molecular consequence: missense variant.
Genome position (GRCh38, 1-based): chr7:135,616,044, A>G. VCF-style: chr7-135616044-A-G. GRCh37 (hg19) VCF-style: chr7-135300792-A-G.
Other names: c.2365A>G, p.Met789Val (NM_001329434.2); short protein forms M1147V, M789V.
Identifiers: ClinVar variation 2110172 (VCV002110172.4), dbSNP rs1353262810, ClinGen allele CA369346820.